The following is an entry in ClinVar:

ClinVar aggregate classification (germline): Pathogenic (1 of 4 stars; one submission).

Conditions:
H syndrome. Also called: HISTIOCYTOSIS AND LYMPHADENOPATHY WITH OR WITHOUT CUTANEOUS, CARDIAC, AND/OR ENDOCRINE FEATURES, JOINT CONTRACTURES, AND/OR DEAFNESS; HYPERPIGMENTATION, CUTANEOUS, WITH HYPERTRICHOSIS, HEPATOSPLENOMEGALY, HEART ANOMALIES, AND HYPOGONADISM WITH OR WITHOUT HEARING LOSS; PIGMENTED HYPERTRICHOSIS WITH INSULIN-DEPENDENT DIABETES MELLITUS; ROSAI-DORFMAN DISEASE, FAMILIAL; SINUS HISTIOCYTOSIS AND MASSIVE LYMPHADENOPATHY; Hyperpigmentation, Cutaneous, with Hypertrichosis, Hepatosplenomegaly, Heart Anomalies, Hearing Loss, and Hypogonadism. Identifiers: Orphanet 168569, MedGen C1864445, MONDO:0011273, OMIM 602782.

Submission:

Labcorp Genetics (formerly Invitae), Labcorp
Classification: Pathogenic for H syndrome. Last evaluated: 2023-12-15. Review status: criteria provided, single submitter. Criteria: Invitae Variant Classification Sherloc (09022015). Collection method: clinical testing. Allele origin: germline.
Comment: This sequence change creates a premature translational stop signal (p.Ser21Glnfs*81) in the SLC29A3 gene. It is expected to result in an absent or disrupted protein product. Loss-of-function variants in SLC29A3 are known to be pathogenic (PMID: 19336477, 20595384, 23406517, 25963354). This variant is not present in population databases (gnomAD no frequency). This variant has not been reported in the literature in individuals affected with SLC29A3-related conditions. For these reasons, this variant has been classified as Pathogenic.

Literature cited by the submitters: PubMed 19336477; PubMed 20595384; PubMed 23406517; PubMed 25963354.

NM_018344.6(SLC29A3):c.59_60dup (p.Ser21fs)

Gene: SLC29A3 (solute carrier family 29 member 3; plus strand). Cytogenetic location: 10q22.1.
Variant type: Microsatellite.
Coding change: c.59_60dup on transcript NM_018344.6 (MANE Select); coding-DNA positions 59 to 60, 2 bases duplicated (CA; older notation c.59_60dupCA).
Protein change: p.Ser21fs; shifts the reading frame from serine 21.
Molecular consequence: frameshift variant. On other transcripts: 5 prime UTR variant (1), non-coding transcript variant (2).
Genome position (GRCh38, 1-based): chr10:71,322,813-71,322,814, CA duplicated; duplicating any 2 consecutive bases within chr10:71,322,811-71,322,814 gives the same sequence; the c. name uses the placement nearest the transcript's 3' end. VCF-style (leftmost placement, unchanged base first): chr10-71322810-C-CCA. GRCh37 (hg19) VCF-style: chr10-73082567-C-CCA.
Other names: c.59_60dup, p.Ser21fs (NM_001174098.2); c.-178CA[3] (NM_001363518.2); short protein forms S21fs.
Identifiers: ClinVar variation 2783465 (VCV002783465.3), dbSNP rs2492355723, ClinGen allele CA2574573827.